The following is an entry in ClinVar:

ClinVar aggregate classification (germline): Likely benign (1 of 4 stars; one submission).

Conditions:
PPP1R9B-related disorder. Also called: PPP1R9B-related condition.

Allele frequency attached by ClinVar (database versions not stated): TOPMed below 0.00001; gnomAD exomes 0.00001.

Submission:

PreventionGenetics, part of Exact Sciences
Classification: Likely benign for PPP1R9B-related condition. Last evaluated: 2020-07-06. Review status: criteria provided, single submitter. Criteria: ACMG Guidelines, 2015. Collection method: clinical testing. Allele origin: germline.
Comment: This variant is classified as likely benign based on ACMG/AMP sequence variant interpretation guidelines (Richards et al. 2015 PMID: 25741868, with internal and published modifications).

NM_032595.5(PPP1R9B):c.1751G>A (p.Arg584Gln)

Gene: PPP1R9B (protein phosphatase 1 regulatory subunit 9B; minus strand). Cytogenetic location: 17q21.33.
Variant type: single nucleotide variant.
Coding change: c.1751G>A on transcript NM_032595.5 (MANE Select); coding-DNA position 1751, G replaced by A.
Protein change: p.Arg584Gln; replaces arginine 584 with glutamine.
Molecular consequence: missense variant.
Genome position (GRCh38, 1-based): chr17:50,140,208, C>T on the plus strand (G>A on the coding strand, the complement: PPP1R9B is on the minus strand). VCF-style: chr17-50140208-C-T. GRCh37 (hg19) VCF-style: chr17-48217573-C-T.
Other names: short protein forms R584Q.
Identifiers: ClinVar variation 3036729 (VCV003036729.1), dbSNP rs779251272, ClinGen allele CA291547464.